The following is an entry in ClinVar:

NM_000256.3(MYBPC3):c.1319_1328del (p.Gly440fs)

Gene: MYBPC3 (myosin binding protein C3; minus strand). Cytogenetic location: 11p11.2.
Variant type: Deletion.
Coding change: c.1319_1328del on transcript NM_000256.3 (MANE Select); coding-DNA positions 1319 to 1328, 10 bases deleted (GCGAGAAGTG; older notation c.1319_1328delGCGAGAAGTG).
Protein change: p.Gly440fs; shifts the reading frame from glycine 440.
Molecular consequence: frameshift variant.
Genome position (GRCh38, 1-based): chr11:47,343,044-47,343,053, CACTTCTCGC deleted on the plus strand (GCGAGAAGTG on the coding strand, the reverse complement: MYBPC3 is on the minus strand); deleting any 10 consecutive bases within chr11:47,343,044-47,343,056 gives the same sequence; the c. name uses the placement nearest the transcript's 3' end. VCF-style (leftmost placement, unchanged base first): chr11-47343043-ACACTTCTCGC-A. GRCh37 (hg19) VCF-style: chr11-47364594-ACACTTCTCGC-A.
Other names: c.1319_1328del, p.Gly440fs (LRG_386t1); c.1319_1328delGCGAGAAGTG (NM_000256.3); short protein forms G440fs.
Identifiers: ClinVar variation 654620 (VCV000654620.6), dbSNP rs1595846475, ClinGen allele CA915948159.

ClinVar aggregate classification (germline): Pathogenic (1 of 4 stars; one submission).

Conditions:
Hypertrophic cardiomyopathy. Also called: HYPERTROPHIC MYOCARDIOPATHY. Identifiers: Orphanet 217569, MedGen C0007194, MeSH D002312, MONDO:0005045, HP:0001639.

Submission:

Labcorp Genetics (formerly Invitae), Labcorp
Classification: Pathogenic for Hypertrophic cardiomyopathy. Last evaluated: 2018-11-28. Review status: criteria provided, single submitter. Criteria: Invitae Variant Classification Sherloc (09022015). Collection method: clinical testing. Allele origin: germline.
Comment: This sequence change creates a premature translational stop signal (p.Gly440Valfs*7) in the MYBPC3 gene. It is expected to result in an absent or disrupted protein product. This variant is not present in population databases (ExAC no frequency). This variant has not been reported in the literature in individuals with MYBPC3-related disease. Loss-of-function variants in MYBPC3 are known to be pathogenic (PMID: 19574547). For these reasons, this variant has been classified as Pathogenic.

Literature cited by the submitters: PubMed 19574547.